The following is an entry in ClinVar:

NM_001321075.3(DLG4):c.1516-8C>T

Gene: DLG4 (discs large MAGUK scaffold protein 4; minus strand). Cytogenetic location: 17p13.1.
Variant type: single nucleotide variant.
Coding change: c.1516-8C>T on transcript NM_001321075.3 (MANE Select); 8 bases into the intron before coding-DNA position 1516, C replaced by T.
Molecular consequence: intron variant.
Genome position (GRCh38, 1-based): chr17:7,193,879, G>A on the plus strand (C>T on the coding strand, the complement: DLG4 is on the minus strand). VCF-style: chr17-7193879-G-A. GRCh37 (hg19) VCF-style: chr17-7097198-G-A.
Other names: c.1645-8C>T (NM_001365.5); c.1507-8C>T (NM_001128827.4); c.1435-8C>T (NM_001369566.3); c.1336-8C>T (NM_001321077.3, NM_001321076.3); c.1636-8C>T (NM_001321074.1).
Identifiers: ClinVar variation 3035072 (VCV003035072.2), dbSNP rs114042970, ClinGen allele CA2245703412.

ClinVar aggregate classification (germline): Likely benign (0 of 4 stars; one submission).

Conditions:
DLG4-related disorder. Also called: DLG4-related condition.

Submission:

PreventionGenetics, part of Exact Sciences
Classification: Likely benign for DLG4-related condition. Last evaluated: 2019-08-09. Review status: no assertion criteria provided. Collection method: clinical testing. Allele origin: germline.
Comment: This variant is classified as likely benign based on ACMG/AMP sequence variant interpretation guidelines (Richards et al. 2015 PMID: 25741868, with internal and published modifications).